The following is an entry in ClinVar:

ClinVar aggregate classification (germline): Pathogenic/Likely pathogenic. Review status: criteria provided, multiple submitters, no conflicts (2 of 4 stars). 9 submissions from 9 submitters: Pathogenic (7); Likely pathogenic (2). Last evaluated 2026-01-24.

Conditions:
COL1A2-related disorder. Also called: COL1A2-related condition; COL1A2-Related Disorders.
Cardiovascular phenotype. Identifiers: MedGen CN230736.
Osteogenesis imperfecta type I (OI1). Also called: Osteogenesis imperfecta type 1; Lobstein disease; Classic Non-deforming Osteogenesis Imperfecta with Blue Sclerae; Lobstein's Disease; OI, TYPE I; OSTEOGENESIS IMPERFECTA TARDA. Identifiers: Orphanet 216796, Orphanet 666, MedGen C0023931, MONDO:0008146, OMIM 166200. Disease mechanism: loss of function.
Ehlers-Danlos syndrome, classic type, 1 (EDSCL1). Also called: Ehlers-Danlos Syndrome, Classic Type, COL5A1-Related; EDS I; Ehlers-Danlos syndrome, type 1; EHLERS-DANLOS SYNDROME, GRAVIS TYPE; EHLERS-DANLOS SYNDROME, SEVERE CLASSIC TYPE. Identifiers: MedGen C0268335, MONDO:0019567, OMIM 130000.
Combined osteogenesis imperfecta and Ehlers-Danlos syndrome 2. Also called: OIEDS SYNDROME 2. Identifiers: MedGen C5436847, MONDO:0030855, OMIM 619120.
Osteogenesis imperfecta, perinatal lethal (OI2). Also called: OSTEOGENESIS IMPERFECTA, TYPE II; VROLIK TYPE OF OSTEOGENESIS IMPERFECTA; Osteogenesis imperfecta type 2; Osteogenesis imperfecta, dominant perinatal lethal; OI, TYPE II; OSTEOGENESIS IMPERFECTA CONGENITA. Identifiers: Orphanet 216804, MedGen C0268358, MONDO:0008147, OMIM 166210.

Submissions (9):

Labcorp Genetics (formerly Invitae), Labcorp
Classification: Pathogenic for Osteogenesis imperfecta type I; Ehlers-Danlos syndrome, classic type, 1. Last evaluated: 2026-01-24. Review status: criteria provided, single submitter. Criteria: Invitae Variant Classification Sherloc (09022015). Collection method: clinical testing. Allele origin: germline.
Comment: This sequence change replaces glycine, which is neutral and non-polar, with arginine, which is basic and polar, at codon 526 of the COL1A2 protein (p.Gly526Arg). This variant is not present in population databases (gnomAD no frequency). This missense change has been observed in individuals with clinical features of osteogenesis imperfecta (PMID: 10027910; internal data). This variant is also known as Gly436Arg. ClinVar contains an entry for this variant (Variation ID: 521008). Invitae Evidence Modeling of protein sequence and biophysical properties (such as structural, functional, and spatial information, amino acid conservation, physicochemical variation, residue mobility, and thermodynamic stability) indicates that this missense variant is expected to disrupt COL1A2 protein function with a positive predictive value of 95%. This variant disrupts the triple helix domain of COL1A2. Glycine residues within the Gly-Xaa-Yaa repeats of the triple helix domain are required for the structure and stability of fibrillar collagens (PMID: 7695699, 8218237, 19344236). In COL1A2, variants affecting these glycine residues are significantly enriched in individuals with disease (PMID: 9016532, 17078022) compared to the general population (ExAC). This variant disrupts the p.Gly526 amino acid residue in COL1A2. Other variant(s) that disrupt this residue have been observed in individuals with COL1A2-related conditions (PMID: 11317364), which suggests that this may be a clinically significant amino acid residue. For these reasons, this variant has been classified as Pathogenic.

GeneDx
Classification: Pathogenic. Last evaluated: 2025-12-10. Review status: criteria provided, single submitter. Criteria: GeneDx Variant Classification Process June 2021. Collection method: clinical testing. Allele origin: germline. Affected: yes.
Comment: Reported using alternate nomenclature (p.G436R)) in the heterozygous state in two siblings with juvenile idiopathic osteoporosis and in their unaffected father. The affected sibs presented with several compression fractures of the spine, short stature and/or mild SNHL (PMID: 10027910); Not observed at significant frequency in large population cohorts (gnomAD); Occurs in the triple helical domain and replaces a glycine in a canonical Gly-X-Y repeat; missense substitution of a canonical glycine residue is expected to disrupt normal protein folding and function, and this is an established mechanism of disease (PMID: 34007986); In silico analysis supports that this missense variant has a deleterious effect on protein structure/function; This variant is associated with the following publications: (PMID: 34007986, 10027910)

Ambry Genetics
Classification: Pathogenic for Cardiovascular phenotype. Last evaluated: 2025-10-22. Review status: criteria provided, single submitter. Criteria: Ambry Variant Classification Scheme 2023. Collection method: clinical testing. Allele origin: germline.
Comment: The c.1576G>A (p.G526R) alteration is located in exon 27 (coding exon 27) of the COL1A2 gene. This alteration results from a G to A substitution at nucleotide position 1576, causing the glycine (G) at amino acid position 526 to be replaced by an arginine (R). for autosomal dominant COL1A2-related osteogenesis imperfecta/overlap disorder; however, its clinical significance for autosomal recessive COL1A2-related cardiac valvular type Ehlers-Danlos syndrome and autosomal dominant COL1A2-related arthrochalasia type Ehlers-Danlos syndrome is uncertain. This variant was not reported in population-based cohorts in the Genome Aggregation Database (gnomAD). This variant was reported in individuals with features consistent with COL1A2-related osteogenesis imperfecta (Dawson, 1999; external communication). This nucleotide position is highly conserved in available vertebrate species. The majority of pathogenic mutations identified to date in COL1A2 have involved the substitution of another amino acid for glycine within the triple-helical domain (Dalgleish, 1997; Marini, 2007; Bardai, 2016). Internal structural analysis indicates that this alteration disrupts the characteristic G-X-Y motif in theCOL1A2protein and inserts a bulky side chain into asterically-constrainedregion (Bella, 1994; Hohenester, 2008; Ambry internal data). This alteration is predicted to be deleterious by in silico analysis. Based on the available evidence, this alteration is classified as pathogenic.

PreventionGenetics, part of Exact Sciences
Classification: Pathogenic for COL1A2-related condition. Last evaluated: 2025-08-06. Review status: criteria provided, single submitter. Criteria: ACMG Guidelines, 2015. Collection method: clinical testing. Allele origin: germline.
Comment: The COL1A2 c.1576G>A variant is predicted to result in the amino acid substitution p.Gly526Arg. This variant, described in the literature as p.Gly436Arg, has been reported in two siblings with juvenile idiopathic osteoporosis, they inherited this variant from their asymptomatic father, who is presumed to be a germline mosaic carrier (Dawson et al. 1999. PubMed ID: 10027910). The Gly residue of this variant lies in the Gly-X-Y triple helical domain where substitutions of a glycine are frequently pathogenic (Marini et al. 2007. PubMed ID: 17078022). Another missense variant affecting the same amino acid (p.Gly526Glu) has been reported to be causative for osteogenesis imperfecta (Ward et al. 2001. PubMed ID: 11317364). This variant has not been reported in a large population database (gnomAD), indicating this variant is rare. This variant is interpreted as pathogenic.

Clinical Biomedical Laboratory, Shriners Hospital For Children - Canada
Classification: Pathogenic for Osteogenesis imperfecta type I. Last evaluated: 2025-07-16. Review status: criteria provided, single submitter. Criteria: ACMG Guidelines, 2015. Collection method: clinical testing. Allele origin: germline. Affected: yes.
Comment: This variant is predicted to substitute a glycine residue by an arginine residue in the triple helical domain of collagen type I alpha2 gene. Glycine substitutions in the triple helical domain of collagen type I cause disruption in the formation of the triple helix in the collagen molecule and are a typical cause of osteogenesis imperfecta. The variant is absent in the Genome Aggregation Database v2.1.1), indicating that this variant is very rare. Prediction tools (REVEL: 1.00) suggest that the change is damaging to protein function.

CeGaT Center for Human Genetics Tuebingen
Classification: Pathogenic. Last evaluated: 2023-05-01. Review status: criteria provided, single submitter. Criteria: CeGaT Center For Human Genetics Tuebingen Variant Classification Criteria Version 2. Collection method: clinical testing. Allele origin: germline. Affected: yes. Observed: 1 variant allele.
Comment: COL1A2: PM1:Strong, PM2, PM5, PS4:Moderate, PP3

MGZ Medical Genetics Center
Classification: Likely pathogenic for Combined osteogenesis imperfecta and Ehlers-Danlos syndrome 2. Last evaluated: 2022-04-29. Review status: criteria provided, single submitter. Criteria: ACMG Guidelines, 2015. Collection method: clinical testing. Allele origin: germline. Affected: yes. Observed: 1 variant allele.
Comment: ACMG criteria applied: PM1_STR, PS4_SUP, PM2_SUP, PP3

Blueprint Genetics
Classification: Likely pathogenic for COL1A2-related disorders. Last evaluated: 2021-12-21. Review status: criteria provided, single submitter. Criteria: ACMG Guidelines, 2015. Collection method: clinical testing. Allele origin: germline. Affected: yes. Observed: 1 variant allele.

Neuberg Centre For Genomic Medicine, NCGM
Classification: Pathogenic for Osteogenesis imperfecta, perinatal lethal. Review status: criteria provided, single submitter. Criteria: ACMG Guidelines, 2015. Collection method: clinical testing. Allele origin: germline. Affected: yes. Clinical features observed: Pain (HP:0012531), Hashimoto thyroiditis (HP:0000872), Tachycardia (HP:0001649), Hyperhidrosis (HP:0000975).
Comment: The missense variant p.G526R in COL1A2 (NM_000089.4) has been previously reported in multiple individuals with osteogenesis imperfecta-non lethal type (Bodian DL et al). The same variant was also detected in two siblings with juvenile osteoporosis who mainly had vertebral fractures. They had inherited this mutation from their asymptomatic father and a possible mosaicism had been hypothesized in their father (Dawson P A et al). The variant affects a glycine residue in the triple helix chain. Majority of the Glycine substitutions in the triple helix chain are disease causing. The variant has been classified in ClinVar as Likely Pathogenic/Pathogenic. The p.G526R variant is novel (not in any individuals) in gnomAD Exomes and is novel (not in any individuals) in 1000 Genomes. The p.G526R missense variant is predicted to be damaging by both SIFT and PolyPhen2. The glycine residue at codon 526 of COL1A2 is conserved in all mammalian species. The nucleotide c.1576 in COL1A2 is predicted conserved by GERP++ and PhyloP across 100 vertebrates. For these reasons, this variant has been classified as Pathogenic

Literature cited by the submitters: PubMed 10027910 (cited by Labcorp Genetics (formerly Invitae), Labcorp and Ambry Genetics); PubMed 7695699 (cited by Labcorp Genetics (formerly Invitae), Labcorp and Ambry Genetics); PubMed 8218237 (cited by Labcorp Genetics (formerly Invitae), Labcorp); PubMed 19344236 (cited by Labcorp Genetics (formerly Invitae), Labcorp); PubMed 9016532 (cited by Labcorp Genetics (formerly Invitae), Labcorp and Ambry Genetics); PubMed 17078022 (cited by Labcorp Genetics (formerly Invitae), Labcorp and Ambry Genetics); PubMed 11317364 (cited by Labcorp Genetics (formerly Invitae), Labcorp and Ambry Genetics); PubMed 18996919 (cited by Ambry Genetics); PubMed 19011090 (cited by Ambry Genetics); PubMed 21667357 (cited by Ambry Genetics); PubMed 27509835 (cited by Ambry Genetics).

NM_000089.4(COL1A2):c.1576G>A (p.Gly526Arg)

Gene: COL1A2 (collagen type I alpha 2 chain; plus strand). Cytogenetic location: 7q21.3.
Variant type: single nucleotide variant.
Coding change: c.1576G>A on transcript NM_000089.4 (MANE Select); coding-DNA position 1576, G replaced by A.
Protein change: p.Gly526Arg; replaces glycine 526 with arginine.
Molecular consequence: missense variant.
Genome position (GRCh38, 1-based): chr7:94,413,708, G>A. VCF-style: chr7-94413708-G-A. GRCh37 (hg19) VCF-style: chr7-94043020-G-A.
Other names: short protein forms G526R.
Identifiers: ClinVar variation 521008 (VCV000521008.47), dbSNP rs72658129, ClinGen allele CA162926587.